The following is an entry in ClinVar:

NM_032119.4(ADGRV1):c.8347G>C (p.Glu2783Gln)

Gene: ADGRV1 (adhesion G protein-coupled receptor V1; plus strand). Cytogenetic location: 5q14.3.
Variant type: single nucleotide variant.
Coding change: c.8347G>C on transcript NM_032119.4 (MANE Select); coding-DNA position 8347, G replaced by C.
Protein change: p.Glu2783Gln; replaces glutamic acid 2783 with glutamine.
Molecular consequence: missense variant. On other transcripts: non-coding transcript variant (1).
Genome position (GRCh38, 1-based): chr5:90,704,449, G>C. VCF-style: chr5-90704449-G-C. GRCh37 (hg19) VCF-style: chr5-90000266-G-C.
Other names: short protein forms E2783Q.
Identifiers: ClinVar variation 1443756 (VCV001443756.6), dbSNP rs2149687811, ClinGen allele CA360389925.
Genomic context (GRCh38, chr5:90,704,449, plus strand): 5'-GGGTCGTTGAATACAACATTGTTTGTGCATTTGTTGGATGACAACATTCCTGAGGAGAAA[G>C]AAGTATACCAAGTCATTCTGTATGATGTCAGGACACAAGGTAATTCAGAATTTAATTTTA-3'
Protein context (NP_115495.3, residues 2773-2793): LLDDNIPEEK[Glu2783Gln]VYQVILYDVR

ClinVar aggregate classification (germline): Uncertain significance (1 of 4 stars; one submission).

gnomAD v4.1: 2 of 1,580,418 alleles (0.00013%); highest among the groups gnomAD compares: Non-Finnish European, 0.00017%; no homozygotes.

Submission:

Labcorp Genetics (formerly Invitae), Labcorp
Classification: Uncertain significance. Last evaluated: 2023-05-23. Review status: criteria provided, single submitter. Criteria: Invitae Variant Classification Sherloc (09022015). Collection method: clinical testing. Allele origin: germline.
Comment: In summary, the available evidence is currently insufficient to determine the role of this variant in disease. Therefore, it has been classified as a Variant of Uncertain Significance. Advanced modeling of protein sequence and biophysical properties (such as structural, functional, and spatial information, amino acid conservation, physicochemical variation, residue mobility, and thermodynamic stability) performed at Invitae indicates that this missense variant is not expected to disrupt ADGRV1 protein function. ClinVar contains an entry for this variant (Variation ID: 1443756). This variant has not been reported in the literature in individuals affected with ADGRV1-related conditions. This variant is not present in population databases (gnomAD no frequency). This sequence change replaces glutamic acid, which is acidic and polar, with glutamine, which is neutral and polar, at codon 2783 of the ADGRV1 protein (p.Glu2783Gln).